The following is an entry in ClinVar:

ClinVar aggregate classification (germline): Uncertain significance (1 of 4 stars; one submission).

Allele frequency attached by ClinVar (database versions not stated): gnomAD exomes below 0.00001.
gnomAD v4.1: 1 of 1,437,606 alleles (0.00007%); highest among the groups gnomAD compares: Admixed American, 0.0024%; no homozygotes.

Submission:

Labcorp Genetics (formerly Invitae), Labcorp
Classification: Uncertain significance. Last evaluated: 2023-05-19. Review status: criteria provided, single submitter. Criteria: Invitae Variant Classification Sherloc (09022015). Collection method: clinical testing. Allele origin: germline.
Comment: This sequence change replaces leucine, which is neutral and non-polar, with proline, which is neutral and non-polar, at codon 14 of the CDH2 protein (p.Leu14Pro). In summary, the available evidence is currently insufficient to determine the role of this variant in disease. Therefore, it has been classified as a Variant of Uncertain Significance. An algorithm developed to predict the effect of missense changes on protein structure and function (PolyPhen-2) suggests that this variant is likely to be tolerated. This variant has not been reported in the literature in individuals affected with CDH2-related conditions. This variant is present in population databases (no rsID available, gnomAD 0.006%).

NM_001792.5(CDH2):c.41T>C (p.Leu14Pro)

Gene: CDH2 (cadherin 2; minus strand). Cytogenetic location: 18q12.1.
Variant type: single nucleotide variant.
Coding change: c.41T>C on transcript NM_001792.5 (MANE Select); coding-DNA position 41, T replaced by C.
Protein change: p.Leu14Pro; replaces leucine 14 with proline.
Molecular consequence: missense variant.
Genome position (GRCh38, 1-based): chr18:28,176,982, A>G on the plus strand (T>C on the coding strand, the complement: CDH2 is on the minus strand). VCF-style: chr18-28176982-A-G. GRCh37 (hg19) VCF-style: chr18-25756946-A-G.
Other names: short protein forms L14P.
Identifiers: ClinVar variation 2865563 (VCV002865563.3), dbSNP rs1434663670, ClinGen allele CA402245084.
Genomic context (GRCh38, chr18:28,176,982, plus strand): 5'-CCACCCCGCCCGTGGCCCGGCCCGCGGGGACCGCCGCGTACCTGAAGCAGGGCCGCCAGC[A>G]GCGGCAGCAGGGTCCGCAGCGCTCCCGCTATCCGGCACATGGAGGCGGAGAGGGGCCGAG-3'
Protein context (NP_001783.2, residues 4-24): IAGALRTLLP[Leu14Pro]LAALLQASVE